The following is an entry in ClinVar:

ClinVar aggregate classification (germline): Pathogenic. Review status: criteria provided, multiple submitters, no conflicts (2 of 4 stars). 4 submissions from 4 submitters: Pathogenic (3). 1 of the submissions does not count toward it. Last evaluated 2024-06-25.

Conditions:
Congenital hypothyroidism. Identifiers: Orphanet 442, MedGen C0010308, MONDO:0018612, HP:0000851.
Deficiency of iodide peroxidase (TDH2A). Also called: HYPOTHYROIDISM, CONGENITAL, DUE TO DYSHORMONOGENESIS, 2A; IODIDE PEROXIDASE DEFICIENCY; THYROID HORMONOGENESIS, GENETIC DEFECT IN, 2A; THYROID PEROXIDASE DEFICIENCY; Thyroid dyshormonogenesis 2A. Identifiers: Orphanet 95716, MedGen C1291299, MONDO:0010133, OMIM 274500.

Allele frequency attached by ClinVar (database versions not stated): gnomAD 0.00001; ExAC 0.00002; gnomAD exomes 0.00002 and 0.00004; TOPMed 0.00002.

Submissions (4):

Fulgent Genetics
Classification: Pathogenic for Deficiency of iodide peroxidase. Last evaluated: 2024-06-25. Review status: criteria provided, single submitter. Criteria: ACMG Guidelines, 2015. Collection method: clinical testing. Allele origin: germline.

Cambridge Genomics Laboratory, East Genomic Laboratory Hub, NHS Genomic Medicine Service
Classification: Pathogenic for Congenital hypothyroidism. Last evaluated: 2024-01-31. Review status: criteria provided, single submitter. Criteria: ACGS Best Practice Guidelines for Variant Classification in Rare Disease 2020. Collection method: clinical testing. Allele origin: germline. Affected: yes.
Comment: The p.Glu17Aspfs*77 variant is observed in 5/113.602 (0.0044%) alleles from individuals of gnomAD Non Finnish European background in gnomAD All. The p.Glu17Aspfs*77 variant is novel (not in any individuals) in 1kG All. The p.Glu17Aspfs*77 variant is observed in 2/68.016 (0.0029%) alleles from individuals of gnomAD Genomes v3 Non Finnish European background in gnomAD Genomes v3 All. (PM2 - Moderate) | This variant is a frameshift variant which occurs in an exon of TPO upstream of where nonsense mediated decay is predicted to occur. There are 15 downstream pathogenic loss of function variants, with the furthest variant being 856 residues downstream of this variant. This indicates that the region is critical to protein function. The p.Glu17Aspfs*77 variant is a loss of function variant in the gene TPO, which is intolerant of Loss of Function variants, as indicated by the presence of existing pathogenic loss of function variant NP_000538.3:p.Q72* and 11 others. (PVS1 - Very Strong) | The variant is observed in trans (in a compound heterozygous state) with another pathogenic variant. (PM3_Strong - Strong)

Labcorp Genetics (formerly Invitae), Labcorp
Classification: Pathogenic. Last evaluated: 2023-09-09. Review status: criteria provided, single submitter. Criteria: Invitae Variant Classification Sherloc (09022015). Collection method: clinical testing. Allele origin: germline.
Comment: ClinVar contains an entry for this variant (Variation ID: 1323705). For these reasons, this variant has been classified as Pathogenic. This premature translational stop signal has been observed in individual(s) with congenital hypothyroidism (PMID: 27525530). This variant is present in population databases (rs774713681, gnomAD 0.004%). This sequence change creates a premature translational stop signal (p.Glu17Aspfs*77) in the TPO gene. It is expected to result in an absent or disrupted protein product. Loss-of-function variants in TPO are known to be pathogenic (PMID: 11061528, 23236987, 25564141).

OMIM
Classification: Pathogenic for THYROID DYSHORMONOGENESIS 2A. Last evaluated: 1994-07-01. Review status: no assertion criteria provided. Collection method: literature only. Allele origin: germline. Not counted in ClinVar's aggregate classification.

Literature cited by the submitters: PubMed 27525530 (cited by Labcorp Genetics (formerly Invitae), Labcorp); PubMed 11061528 (cited by Labcorp Genetics (formerly Invitae), Labcorp); PubMed 23236987 (cited by Labcorp Genetics (formerly Invitae), Labcorp); PubMed 25564141 (cited by Labcorp Genetics (formerly Invitae), Labcorp); PubMed 8027236 (cited by OMIM).

NM_001206744.2(TPO):c.31_50dup (p.Glu17fs)

Gene: TPO (thyroid peroxidase; plus strand). Cytogenetic location: 2p25.3.
Variant type: Duplication.
Coding change: c.31_50dup on transcript NM_001206744.2 (MANE Select); coding-DNA positions 31 to 50, 20 bases duplicated (CTGGTTATGGCCTGCACAGA).
Protein change: p.Glu17fs; shifts the reading frame from glutamic acid 17.
Molecular consequence: frameshift variant.
Genome position (GRCh38, 1-based): chr2:1,414,439-1,414,458, CTGGTTATGGCCTGCACAGA duplicated. VCF-style (leftmost placement, unchanged base first): chr2-1414438-G-GCTGGTTATGGCCTGCACAGA. GRCh37 (hg19) VCF-style: chr2-1418210-G-GCTGGTTATGGCCTGCACAGA.
Other names: c.31_50dup, p.Glu17fs (NM_000547.6, NM_001206745.2, NM_175719.4 and 2 more transcripts); short protein forms E17fs.
Identifiers: ClinVar variation 1323705 (VCV001323705.7), dbSNP rs774713681, ClinGen allele CA1511270.
Genomic context (GRCh38, chr2:1,414,438, plus strand): 5'-ACATACTCTGTCTCCTTCCGTTAATTTTAGAATGAGAGCGCTCGCTGTGCTGTCTGTCAC[G>GCTGGTTATGGCCTGCACAGA]CTGGTTATGGCCTGCACAGAAGCCTTCTTCCCCTTCATCTCGAGAGGGAAAGAACTCCTT-3'